The following is an entry in ClinVar:

ClinVar aggregate classification (germline): Uncertain significance (1 of 4 stars; one submission).

Conditions:
Cardiovascular phenotype. Identifiers: MedGen CN230736.

Allele frequency attached by ClinVar (database versions not stated): gnomAD exomes below 0.00001; TOPMed 0.00002; gnomAD 0.00003.
gnomAD v4.1: 8 of 1,550,236 alleles (0.00052%); highest among the groups gnomAD compares: African/African-American, 0.0068%; no homozygotes.

Submission:

Ambry Genetics
Classification: Uncertain significance for Cardiovascular phenotype. Last evaluated: 2021-12-08. Review status: criteria provided, single submitter. Criteria: Ambry Variant Classification Scheme 2023. Collection method: clinical testing. Allele origin: germline.
Comment: The p.C1924Y variant (also known as c.5771G>A), located in coding exon 2 of the ZNF469 gene, results from a G to A substitution at nucleotide position 5771. The cysteine at codon 1924 is replaced by tyrosine, an amino acid with highly dissimilar properties. This amino acid position is conserved. In addition, this alteration is predicted to be tolerated by in silico analysis. Since supporting evidence is limited at this time, the clinical significance of this alteration remains unclear.

NM_001367624.2(ZNF469):c.5855G>A (p.Cys1952Tyr)

Gene: ZNF469 (zinc finger protein 469; plus strand). Cytogenetic location: 16q24.2.
Variant type: single nucleotide variant.
Coding change: c.5855G>A on transcript NM_001367624.2 (MANE Select); coding-DNA position 5855, G replaced by A.
Protein change: p.Cys1952Tyr; replaces cysteine 1952 with tyrosine.
Molecular consequence: missense variant.
Genome position (GRCh38, 1-based): chr16:88,433,325, G>A. VCF-style: chr16-88433325-G-A. GRCh37 (hg19) VCF-style: chr16-88499733-G-A.
Other names: NM_001127464.1:c.5771G>A; short protein forms C1952Y.
Identifiers: ClinVar variation 1749553 (VCV001749553.2), dbSNP rs746407463, ClinGen allele CA286380913.